The following is an entry in ClinVar:

NM_000179.3(MSH6):c.4063A>G (p.Thr1355Ala)

Gene: MSH6 (mutS homolog 6; plus strand). Cytogenetic location: 2p16.3.
Variant type: single nucleotide variant.
Coding change: c.4063A>G on transcript NM_000179.3 (MANE Select); coding-DNA position 4063, A replaced by G.
Protein change: p.Thr1355Ala; replaces threonine 1355 with alanine.
Molecular consequence: missense variant. On other transcripts: 3 prime UTR variant (5), non-coding transcript variant (5).
Genome position (GRCh38, 1-based): chr2:47,806,840, A>G. VCF-style: chr2-47806840-A-G. GRCh37 (hg19) VCF-style: chr2-48033979-A-G.
Other names: c.3673A>G, p.Thr1225Ala (NM_001281492.2); c.3157A>G, p.Thr1053Ala (NM_001281493.2, NM_001281494.2, NM_001406811.1 and 6 more transcripts); c.4159A>G, p.Thr1387Ala (NM_001406795.1); c.4063A>G, p.Thr1355Ala (NM_001406796.1, NM_001406809.1); c.3766A>G, p.Thr1256Ala (NM_001406797.1, NM_001406805.1, NM_001406818.1 and 8 more transcripts); c.3889A>G, p.Thr1297Ala (NM_001406798.1); c.3538A>G, p.Thr1180Ala (NM_001406799.1, NM_001406806.1, NM_001406807.1); c.*84A>G (NM_001406800.1); and 9 more; short protein forms T1299A, T833A, T1180A, T1297A, T670A, T1053A, T1225A, T304A.
Identifiers: ClinVar variation 2453178 (VCV002453178.4), dbSNP rs2104584319, ClinGen allele CA346761740.
Genomic context (GRCh38, chr2:47,806,840, plus strand): 5'-GAAGTTTGCCTGGCTAGTGAAAGGTCAACTGTAGATGCTGAAGCTGTCCATAAATTGCTG[A>G]CTTTGATTAAGGAATTATAGACTGACTACATTGGAAGCTTTGAGTTGACTTCTGACAAAG-3'
Protein context (NP_000170.1, residues 1345-1360): VDAEAVHKLL[Thr1355Ala]LIKEL

ClinVar aggregate classification (germline): Uncertain significance. Review status: criteria provided, multiple submitters, no conflicts (2 of 4 stars). 2 submissions from 2 submitters: Uncertain significance (2). Last evaluated 2025-12-23.

Conditions:
Hereditary cancer-predisposing syndrome. Also called: Neoplastic Syndromes, Hereditary; Tumor predisposition; Hereditary neoplastic syndrome; Hereditary Cancer Syndrome. Identifiers: Orphanet 140162, MedGen C0027672, MeSH D009386, MONDO:0015356.
Hereditary nonpolyposis colorectal neoplasms. Identifiers: MedGen C0009405, MeSH D003123.

Submissions (2):

Labcorp Genetics (formerly Invitae), Labcorp
Classification: Uncertain significance for Hereditary nonpolyposis colorectal neoplasms. Last evaluated: 2025-12-23. Review status: criteria provided, single submitter. Criteria: Invitae Variant Classification Sherloc (09022015). Collection method: clinical testing. Allele origin: germline.
Comment: This sequence change replaces threonine, which is neutral and polar, with alanine, which is neutral and non-polar, at codon 1355 of the MSH6 protein (p.Thr1355Ala). This variant is not present in population databases (gnomAD no frequency). This variant has not been reported in the literature in individuals affected with MSH6-related conditions. ClinVar contains an entry for this variant (Variation ID: 2453178). Invitae Evidence Modeling of protein sequence and biophysical properties (such as structural, functional, and spatial information, amino acid conservation, physicochemical variation, residue mobility, and thermodynamic stability) indicates that this missense variant is not expected to disrupt MSH6 protein function with a negative predictive value of 95%. In summary, the available evidence is currently insufficient to determine the role of this variant in disease. Therefore, it has been classified as a Variant of Uncertain Significance.

Ambry Genetics
Classification: Uncertain significance for Hereditary cancer-predisposing syndrome. Last evaluated: 2025-12-09. Review status: criteria provided, single submitter. Criteria: Ambry Variant Classification Scheme 2023. Collection method: clinical testing. Allele origin: germline.
Comment: The p.T1355A variant (also known as c.4063A>G), located in coding exon 10 of the MSH6 gene, results from an A to G substitution at nucleotide position 4063. The threonine at codon 1355 is replaced by alanine, an amino acid with similar properties. This amino acid position is not well conserved in available vertebrate species. In addition, this alteration is predicted to be tolerated by in silico analysis. Based on the available evidence, the clinical significance of this variant remains unclear.